The following is an entry in ClinVar:

NM_001277115.2(DNAH11):c.10154A>T (p.Glu3385Val)

Gene: DNAH11 (dynein axonemal heavy chain 11; plus strand). Cytogenetic location: 7p15.3.
Variant type: single nucleotide variant.
Coding change: c.10154A>T on transcript NM_001277115.2 (MANE Select); coding-DNA position 10154, A replaced by T.
Protein change: p.Glu3385Val; replaces glutamic acid 3385 with valine.
Molecular consequence: missense variant.
Genome position (GRCh38, 1-based): chr7:21,801,264, A>T. VCF-style: chr7-21801264-A-T. GRCh37 (hg19) VCF-style: chr7-21840882-A-T.
Other names: c.10175A>T, p.Glu3392Val (NM_003777.3); short protein forms E3385V, E3392V.
Identifiers: ClinVar variation 2169463 (VCV002169463.4), dbSNP rs2535310896, ClinGen allele CA366944327.
Genomic context (GRCh38, chr7:21,801,264, plus strand): 5'-GTCAAGAAGAGGTGAACCAAACCAACAAAACCATCAAATTAGCTAACAGACTTGTCAAGG[A>T]ACTTGAGGCAAGTTAAACCTTTTCTTCCAAACATTCTAACTAAAATGTTCAGATCAGCTT-3'
Protein context (NP_001264044.1, residues 3375-3395): TIKLANRLVK[Glu3385Val]LEAKKIRWGQ

ClinVar aggregate classification (germline): Uncertain significance (1 of 4 stars; one submission).

Conditions:
Primary ciliary dyskinesia. Also called: Ciliary dyskinesia. Identifiers: Orphanet 244, MedGen C0008780, MONDO:0016575, HP:0012265.

Submission:

Labcorp Genetics (formerly Invitae), Labcorp
Classification: Uncertain significance for Primary ciliary dyskinesia. Last evaluated: 2022-06-23. Review status: criteria provided, single submitter. Criteria: Invitae Variant Classification Sherloc (09022015). Collection method: clinical testing. Allele origin: germline.
Comment: Advanced modeling of protein sequence and biophysical properties (such as structural, functional, and spatial information, amino acid conservation, physicochemical variation, residue mobility, and thermodynamic stability) performed at Invitae indicates that this missense variant is not expected to disrupt DNAH11 protein function. Algorithms developed to predict the effect of sequence changes on RNA splicing suggest that this variant may disrupt the consensus splice site. In summary, the available evidence is currently insufficient to determine the role of this variant in disease. Therefore, it has been classified as a Variant of Uncertain Significance. This variant has not been reported in the literature in individuals affected with DNAH11-related conditions. This variant is not present in population databases (gnomAD no frequency). This sequence change replaces glutamic acid, which is acidic and polar, with valine, which is neutral and non-polar, at codon 3385 of the DNAH11 protein (p.Glu3385Val).